The following is an entry in ClinVar:

NM_002291.3(LAMB1):c.3231T>G (p.Ser1077Arg)

Gene: LAMB1 (laminin subunit beta 1; minus strand). Cytogenetic location: 7q31.1.
Variant type: single nucleotide variant.
Coding change: c.3231T>G on transcript NM_002291.3 (MANE Select); coding-DNA position 3231, T replaced by G.
Protein change: p.Ser1077Arg; replaces serine 1077 with arginine.
Molecular consequence: missense variant.
Genome position (GRCh38, 1-based): chr7:107,952,072, A>C on the plus strand (T>G on the coding strand, the complement: LAMB1 is on the minus strand). VCF-style: chr7-107952072-A-C. GRCh37 (hg19) VCF-style: chr7-107592517-A-C.
Other names: short protein forms S1077R.
Identifiers: ClinVar variation 3629412 (VCV003629412.2).

ClinVar aggregate classification (germline): Uncertain significance (1 of 4 stars; one submission).

Submission:

Labcorp Genetics (formerly Invitae), Labcorp
Classification: Uncertain significance. Last evaluated: 2024-10-24. Review status: criteria provided, single submitter. Criteria: Invitae Variant Classification Sherloc (09022015). Collection method: clinical testing. Allele origin: germline.
Comment: This sequence change replaces serine, which is neutral and polar, with arginine, which is basic and polar, at codon 1077 of the LAMB1 protein (p.Ser1077Arg). This variant is present in population databases (rs201825797, gnomAD 0.02%). This variant has not been reported in the literature in individuals affected with LAMB1-related conditions. An algorithm developed to predict the effect of missense changes on protein structure and function (PolyPhen-2) suggests that this variant is likely to be disruptive. In summary, the available evidence is currently insufficient to determine the role of this variant in disease. Therefore, it has been classified as a Variant of Uncertain Significance.